The following is an entry in ClinVar:

ClinVar aggregate classification (germline): Pathogenic. Review status: criteria provided, multiple submitters, no conflicts (2 of 4 stars). 4 submissions from 4 submitters: Pathogenic (3). 1 of the submissions does not count toward it. Last evaluated 2023-05-04.

Conditions:
Familial adenomatous polyposis 1 (FAP1). Also called: FAMILIAL ADENOMATOUS POLYPOSIS 1, ATTENUATED; POLYPOSIS, ADENOMATOUS INTESTINAL. Identifiers: MedGen C2713442, MONDO:0021056, OMIM 175100. Disease mechanism: loss of function.
Gardner syndrome (GS). Also called: Gardner's syndrome; Polyposis coli and multiple hard and soft tissue tumors; Intestinal polyposis, osteomas, sebaceous cysts. Identifiers: MedGen C0017097, MONDO:0019336. Disease mechanism: loss of function.
Hereditary cancer-predisposing syndrome. Also called: Hereditary Cancer Syndrome; Tumor predisposition; Hereditary neoplastic syndrome; Neoplastic Syndromes, Hereditary. Identifiers: Orphanet 140162, MedGen C0027672, MeSH D009386, MONDO:0015356.

Submissions (4):

Myriad Genetics, Inc.
Classification: Pathogenic for Familial adenomatous polyposis 1. Last evaluated: 2023-05-04. Review status: criteria provided, single submitter. Criteria: Myriad Autosomal Dominant, Autosomal Recessive and X-Linked Classification Criteria (2023). Collection method: clinical testing. Allele origin: unknown.
Comment: This variant is considered pathogenic. This variant creates a termination codon and is predicted to result in premature protein truncation.

Labcorp Genetics (formerly Invitae), Labcorp
Classification: Pathogenic for Familial adenomatous polyposis 1. Last evaluated: 2021-09-29. Review status: criteria provided, single submitter. Criteria: Invitae Variant Classification Sherloc (09022015). Collection method: clinical testing. Allele origin: germline.
Comment: ClinVar contains an entry for this variant (Variation ID: 800). This variant is expected to disrupt the EB1 and HDLG binding sites, which mediate interactions with the cytoskeleton (PMID: 15311282, 17293347). While functional studies have not been performed to directly test the effect on APC protein function, this suggests that disruption of the C-terminal portion of the protein is functionally important. For these reasons, this variant has been classified as Pathogenic. This variant disrupts a region of the APC protein in which other variant(s) (p.Tyr2645Lysfs*14) have been determined to be pathogenic (PMID: 1316610, 8381579, 9824584, 22135120, 27081525; Invitae). This suggests that this is a clinically significant region of the protein, and that variants that disrupt it are likely to be disease-causing. This premature translational stop signal has been observed in individual(s) with clinical features of APC-related conditions (PMID: 1651563, 30897307). This variant is not present in population databases (ExAC no frequency). This sequence change creates a premature translational stop signal (p.Ser713*) in the APC gene. While this is not anticipated to result in nonsense mediated decay, it is expected to disrupt the last 2131 amino acid(s) of the APC protein.

Ambry Genetics
Classification: Pathogenic for Hereditary cancer-predisposing syndrome. Last evaluated: 2018-07-17. Review status: criteria provided, single submitter. Criteria: Ambry Variant Classification Scheme 2023. Collection method: clinical testing. Allele origin: germline.
Comment: The p.S713* pathogenic mutation (also known as c.2138C>G), located in coding exon 15 of the APC gene, results from a C to G substitution at nucleotide position 2138. This changes the amino acid from a serine to a stop codon within coding exon 15. This alteration has been described in numerous individuals with adenomatous polyposis in the literature (Giarola M et al. Hum. Mutat. 1999; 13:116-23, Miyoshi Y et al. Proc. Natl. Acad. Sci. U.S.A. 1992; 89:4452-6, Nishisho I et al. Science 1991; 253:665-9). One such individual also had mandibular osteomas, consistent with the Gardner syndrome phenotype included in the FAP spectrum (Nishisho I et al. Science 1991; 253:665-9). In addition to the clinical data presented in the literature, this alteration is expected to result in loss of function by premature protein truncation or nonsense-mediated mRNA decay. As such, this alteration is interpreted as a disease-causing mutation.

OMIM
Classification: Pathogenic for GARDNER SYNDROME. Last evaluated: 1991-08-09. Review status: no assertion criteria provided. Collection method: literature only. Allele origin: germline. Not counted in ClinVar's aggregate classification.

Literature cited by the submitters: PubMed 15311282 (cited by Labcorp Genetics (formerly Invitae), Labcorp); PubMed 17293347 (cited by Labcorp Genetics (formerly Invitae), Labcorp); PubMed 1316610 (cited by Labcorp Genetics (formerly Invitae), Labcorp and Ambry Genetics); PubMed 8381579 (cited by Labcorp Genetics (formerly Invitae), Labcorp); PubMed 9824584 (cited by Labcorp Genetics (formerly Invitae), Labcorp); PubMed 22135120 (cited by Labcorp Genetics (formerly Invitae), Labcorp); PubMed 27081525 (cited by Labcorp Genetics (formerly Invitae), Labcorp); PubMed 1651563 (cited by 3 submitters); PubMed 30897307 (cited by Labcorp Genetics (formerly Invitae), Labcorp); PubMed 10094547 (cited by Ambry Genetics).

NM_000038.6(APC):c.2138C>G (p.Ser713Ter)

Gene: APC (APC regulator of Wnt signaling pathway; plus strand). Cytogenetic location: 5q22.2.
Variant type: single nucleotide variant.
Coding change: c.2138C>G on transcript NM_000038.6 (MANE Select); coding-DNA position 2138, C replaced by G.
Protein change: p.Ser713Ter; replaces serine 713 with a stop codon.
Molecular consequence: nonsense.
Genome position (GRCh38, 1-based): chr5:112,837,732, C>G. VCF-style: chr5-112837732-C-G. GRCh37 (hg19) VCF-style: chr5-112173429-C-G.
Other names: c.2138C>G, p.Ser713Ter (NM_001127510.3, NM_001354895.2); c.2084C>G, p.Ser695Ter (NM_001127511.3); c.2192C>G, p.Ser731Ter (NM_001354896.2); c.2168C>G, p.Ser723Ter (NM_001354897.2); c.2063C>G, p.Ser688Ter (NM_001354898.2); c.2054C>G, p.Ser685Ter (NM_001354899.2); c.2015C>G, p.Ser672Ter (NM_001354900.2); c.1961C>G, p.Ser654Ter (NM_001354901.2); and 5 more; short protein forms S713*, S695*, S587*, S612*, S731*, S430*, S553*, S654*.
Identifiers: ClinVar variation 800 (VCV000000800.13), dbSNP rs137854570, ClinGen allele CA007219.
Genomic context (GRCh38, chr5:112,837,732, plus strand): 5'-AAGACCAGGAAGCATTATGGGACATGGGGGCAGTTAGCATGCTCAAGAACCTCATTCATT[C>G]AAAGCACAAAATGATTGCTATGGGAAGTGCTGCAGCTTTAAGGAATCTCATGGCAAATAG-3'